The following is an entry in ClinVar:

ClinVar aggregate classification (germline): Likely benign (1 of 4 stars; one submission).

Submission:

CeGaT Center for Human Genetics Tuebingen
Classification: Likely benign. Last evaluated: 2023-10-01. Review status: criteria provided, single submitter. Criteria: CeGaT Center For Human Genetics Tuebingen Variant Classification Criteria Version 2. Collection method: clinical testing. Allele origin: germline. Affected: yes. Observed: 2 variant alleles.
Comment: MAP1B: PM2:Supporting, BP4, BP7

NM_005909.5(MAP1B):c.6528C>A (p.Ala2176=)

Gene: MAP1B (microtubule associated protein 1B; plus strand). Cytogenetic location: 5q13.2.
Variant type: single nucleotide variant.
Coding change: c.6528C>A on transcript NM_005909.5 (MANE Select); coding-DNA position 6528, C replaced by A.
Protein change: p.Ala2176=; no amino-acid change (alanine 2176 retained).
Molecular consequence: synonymous variant.
Genome position (GRCh38, 1-based): chr5:72,199,883, C>A. VCF-style: chr5-72199883-C-A. GRCh37 (hg19) VCF-style: chr5-71495710-C-A.
Other names: c.6150C>A, p.Ala2050= (NM_001324255.2).
Identifiers: ClinVar variation 2655522 (VCV002655522.24), dbSNP rs1747290930, ClinGen allele CA445089093.